The following is an entry in ClinVar:

ClinVar aggregate classification (germline): Uncertain significance. Review status: criteria provided, multiple submitters, no conflicts (2 of 4 stars). 2 submissions from 2 submitters: Uncertain significance (2). Last evaluated 2025-08-31.

Conditions:
Inborn genetic diseases. Identifiers: MedGen C0950123, MeSH D030342.
Monocytopenia with susceptibility to infections. Also called: Dendritic cell, monocyte, B lymphocyte, and natural killer lymphocyte deficiency; MONOCYTOPENIA AND MYCOBACTERIAL INFECTION SYNDROME; MONOCYTOPENIA WITH SUSCEPTIBILITY TO MYCOBACTERIAL, FUNGAL, AND PAPILLOMAVIRUS INFECTIONS AND MYELODYSPLASIA; COMBINED IMMUNODEFICIENCY WITH SUSCEPTIBILITY TO MYCOBACTERIAL, VIRAL, AND FUNGAL INFECTIONS; IMMUNODEFICIENCY 21; GATA2 DEFICIENCY. Identifiers: Orphanet 228423, MedGen C3280030, MONDO:0013607, OMIM 614172.
Deafness-lymphedema-leukemia syndrome. Also called: Lymphedema, primary, with myelodysplasia; Emberger syndrome. Identifiers: Orphanet 3226, MedGen C3279664, MONDO:0013540, OMIM 614038.

Allele frequency attached by ClinVar (database versions not stated): gnomAD exomes below 0.00001; TOPMed below 0.00001.
gnomAD v4.1: 2 of 1,575,588 alleles (0.00013%); highest among the groups gnomAD compares: Non-Finnish European, 0.00017%; no homozygotes.

Submissions (2):

Ambry Genetics
Classification: Uncertain significance for Inborn genetic diseases. Last evaluated: 2025-08-31. Review status: criteria provided, single submitter. Criteria: Ambry Variant Classification Scheme 2023. Collection method: clinical testing. Allele origin: germline.
Comment: The p.M479T variant (also known as c.1436T>C), located in coding exon 5 of the GATA2 gene, results from a T to C substitution at nucleotide position 1436. The methionine at codon 479 is replaced by threonine, an amino acid with similar properties. This amino acid position is conserved. In addition, this alteration is predicted to be deleterious by in silico analysis. Based on the available evidence, the clinical significance of this variant remains unclear.

Labcorp Genetics (formerly Invitae), Labcorp
Classification: Uncertain significance for Monocytopenia with susceptibility to infections; Deafness-lymphedema-leukemia syndrome. Last evaluated: 2020-09-20. Review status: criteria provided, single submitter. Criteria: Invitae Variant Classification Sherloc (09022015). Collection method: clinical testing. Allele origin: germline.
Comment: This variant is not present in population databases (ExAC no frequency). Algorithms developed to predict the effect of missense changes on protein structure and function are either unavailable or do not agree on the potential impact of this missense change (SIFT: "Deleterious"; PolyPhen-2: "Possibly Damaging"; Align-GVGD: "Class C0"). This variant has not been reported in the literature in individuals with GATA2-related conditions. This sequence change replaces methionine with threonine at codon 479 of the GATA2 protein (p.Met479Thr). The methionine residue is moderately conserved and there is a moderate physicochemical difference between methionine and threonine. In summary, the available evidence is currently insufficient to determine the role of this variant in disease. Therefore, it has been classified as a Variant of Uncertain Significance.

NM_032638.5(GATA2):c.1436T>C (p.Met479Thr)

Gene: GATA2 (GATA binding protein 2; minus strand). Cytogenetic location: 3q21.3.
Variant type: single nucleotide variant.
Coding change: c.1436T>C on transcript NM_032638.5 (MANE Select); coding-DNA position 1436, T replaced by C.
Protein change: p.Met479Thr; replaces methionine 479 with threonine.
Molecular consequence: missense variant.
Genome position (GRCh38, 1-based): chr3:128,481,026, A>G on the plus strand (T>C on the coding strand, the complement: GATA2 is on the minus strand). VCF-style: chr3-128481026-A-G. GRCh37 (hg19) VCF-style: chr3-128199869-A-G.
Other names: c.1436T>C (NM_032638.4); c.1436T>C, p.Met479Thr (NM_001145661.2); c.1394T>C, p.Met465Thr (NM_001145662.1); short protein forms M465T, M479T.
Identifiers: ClinVar variation 999744 (VCV000999744.10), dbSNP rs2068619272, ClinGen allele CA354412384.